The following is an entry in ClinVar:

ClinVar aggregate classification (germline): Pathogenic. Review status: criteria provided, multiple submitters, no conflicts (2 of 4 stars). 2 submissions from 2 submitters: Pathogenic (2). Last evaluated 2019-07-01.

Conditions:
DICER1-related tumor predisposition. Also called: DICER1 syndrome; DICER1-related pleuropulmonary blastoma cancer predisposition syndrome. Identifiers: Orphanet 284343, MedGen C3839822, MONDO:0100216.

Submissions (2):

Foulkes Cancer Genetics LDI, Lady Davis Institute for Medical Research
Classification: Pathogenic for Pleuropulmonary blastoma. Last evaluated: 2019-07-01. Review status: criteria provided, single submitter. Criteria: ACMG Guidelines, 2015. Collection method: curation. Allele origin: de novo. Affected: yes. Observed: 1 variant allele.
Comment: ACMG criteria met: PVS1, PM2, PP4

International Pleuropulmonary Blastoma Registry, Children's Hospitals and Clinics of Minnesota
Classification: Pathogenic for Pleuropulmonary blastoma. Last evaluated: 2014-11-10. Review status: criteria provided, single submitter. Criteria: Hill et al. (Science. 2009). Collection method: clinical testing. Allele origin: somatic. Affected: yes. Study: PPB-DICER1 Genetic study.

Literature cited by the submitters: PubMed 26925222 (cited by Foulkes Cancer Genetics LDI, Lady Davis Institute for Medical Research and International Pleuropulmonary Blastoma Registry, Children's Hospitals and Clinics of Minnesota).

NM_177438.3(DICER1):c.4426_4427insT (p.Asp1476fs)

Gene: DICER1 (dicer 1, ribonuclease III; minus strand). Cytogenetic location: 14q32.13.
Variant type: Insertion.
Coding change: c.4426_4427insT on transcript NM_177438.3 (MANE Select); coding-DNA positions 4426 to 4427, T inserted.
Protein change: p.Asp1476fs; shifts the reading frame from aspartic acid 1476.
Molecular consequence: frameshift variant.
Genome position: GRCh38 VCF-style: chr14-95096493-T-TA. GRCh37 (hg19) VCF-style: chr14-95562830-T-TA.
Other names: c.4426_4427insT, p.Asp1476fs (NM_001195573.1, NM_001271282.3, NM_001291628.2 and 1 more transcripts); short protein forms D1476fs.
Identifiers: ClinVar variation 254334 (VCV000254334.4), dbSNP rs886037714, ClinGen allele CA10586416.